The following is an entry in ClinVar:

ClinVar aggregate classification (germline): Conflicting classifications of pathogenicity. Review status: criteria provided, conflicting classifications (1 of 4 stars). 9 submissions from 9 submitters: Pathogenic (4); Likely pathogenic (1); Uncertain significance (3). 1 of the submissions does not count toward it. Last evaluated 2025-05-14.

Conditions:
CC2D2A-related disorder. Also called: CC2D2A-related disorders; CC2D2A-related condition. Identifiers: MedGen CN239313.
Retinitis pigmentosa 93. Identifiers: MedGen C5676970, MONDO:0030797, OMIM 619845.
Meckel-Gruber syndrome. Also called: Dysencephalia splachnocystica; DYSENCEPHALIA SPLANCHNOCYSTICA; GRUBER SYNDROME. Identifiers: Orphanet 564, MedGen C0265215, MONDO:0018921.
Joubert syndrome. Also called: JOUBERT-BOLTSHAUSER SYNDROME; Familial aplasia of the vermis. Identifiers: Orphanet 475, MedGen C5979921, MONDO:0018772.
Joubert syndrome and related disorders. Identifiers: Orphanet 140874, MedGen C5679612, MONDO:0015369.

Allele frequency attached by ClinVar (database versions not stated): TOPMed 0.00002; gnomAD exomes 0.00002 and 0.00001; gnomAD 0.00002.
gnomAD v4.1: 27 of 1,554,006 alleles (0.0017%); highest among the groups gnomAD compares: Admixed American, 0.0039%; no homozygotes.

Submissions (9):

Myriad Genetics, Inc.
Classification: Pathogenic for Joubert syndrome and related disorders. Last evaluated: 2025-05-14. Review status: criteria provided, single submitter. Criteria: Myriad Autosomal Dominant, Autosomal Recessive and X-Linked Classification Criteria (2023). Collection method: clinical testing. Allele origin: unknown.
Comment: NM_001080522.2(CC2D2A):c.100C>T(R34*) is a nonsense variant classified as pathogenic in the context of CC2D2A-related disorders. R34* has been observed in a case with relevant disease (PMID: 38987663). Relevant functional assessments of this variant are available in the literature (PMID: 38987663). R34* has been observed in referenced population frequency databases. In summary, NM_001080522.2(CC2D2A):c.100C>T(R34*) is a nonsense variant in a gene where loss of function is a known mechanism of disease, is predicted to disrupt protein function, and has been observed more frequently in cases with the relevant disease than in healthy populations. Please note: this variant was assessed in the context of healthy population screening.

Mayo Clinic Laboratories, Mayo Clinic
Classification: Uncertain significance. Last evaluated: 2024-12-20. Review status: criteria provided, single submitter. Criteria: ACMG Guidelines, 2015. Collection method: clinical testing. Allele origin: germline. Observed: 1 variant allele.
Comment: PM2_supporting, PVS1_strong

MUHC Nephrogenetics Laboratory, Research Institute of the McGill University Health Centre
Classification: Uncertain significance for CC2D2A-related disorder. Last evaluated: 2024-06-14. Review status: criteria provided, single submitter. Criteria: ACMG Guidelines, 2015. Collection method: research. Allele origin: inherited. Inheritance: Autosomal recessive inheritance. Affected: yes.
Comment: Genetic testing identified a homozygous nonsense variant in the gene CC2D2A: NM_001378615.1(CC2D2A):c.100C>T (p.Arg34Ter). The variant was classified as a variant of uncertain significance (VUS) by the clinical laboratory. It is extremely rare in the reference population and generates a premature stop codon in exon 3 of the canonical transcript (NM_001378615.1). Using in silico prediction tools, p.(Arg34*) is not expected to efficiently trigger NMD, nor completely escape NMD, suggesting a potential partial loss-of-function effect. Both predictive and in vitro models of the CC2D2A p.(Arg34*) nonsense variant suggest translation re-initiation may occur at the downstream translation initiation site, potentially recovering residual protein function. The region that is lost from the full-length CC2D2A protein isoform (amino acid residues 1-49) does not contain any annotated functional protein domains, nor does it contain any reported interaction sites or localization signals, suggesting the shorter protein may retain function. Transcript-isoform expression analysis revealed that this variant primarily affects kidney-predominant transcripts. We conclude that the reduction of the kidney enriched CC2D2A protein isoform may result in progressive and degenerative renal disease. ACMG Classification: The CC2D2A c.100C>T, p.(Arg34*) was classified as a variant of uncertain significance (VUS) because insufficient evidence existed to support its pathogenicity. Variant interpretation was performed based on the general recommendations from the Sequence Variant Interpretation (SVI) Working Group for using ACMG/AMP Criteria (Clinical Genome Resource). Therefore, PM2 cannot be invoked. Computational & Predictive Data: Nonsense variant in the gene CC2D2A, predicted to cause NMD. Loss-of-function is a known mechanism of disease. Exons 1-3 are biologically relevant to kidney function. SVI Working Group reached a consensus agreement that removing >10% of the protein product is more likely to have a loss of function effect compared to variants that remove <10%. PVS1_Strong was therefore invoked according to the recommended guidelines. Other Databases: The variant has been reported on ClinVar as Pathogenic and Likely Pathogenic, but without phenotype information. PP5 was not invoked according to recommended guidelines.

Labcorp Genetics (formerly Invitae), Labcorp
Classification: Pathogenic for Joubert syndrome; Meckel-Gruber syndrome. Last evaluated: 2024-04-09. Review status: criteria provided, single submitter. Criteria: Invitae Variant Classification Sherloc (09022015). Collection method: clinical testing. Allele origin: germline.
Comment: This sequence change creates a premature translational stop signal (p.Arg34*) in the CC2D2A gene. It is expected to result in an absent or disrupted protein product. Loss-of-function variants in CC2D2A are known to be pathogenic (PMID: 19777577). This variant is not present in population databases (gnomAD no frequency). This variant has not been reported in the literature in individuals affected with CC2D2A-related conditions. ClinVar contains an entry for this variant (Variation ID: 377067). For these reasons, this variant has been classified as Pathogenic.

3billion
Classification: Pathogenic for Retinitis pigmentosa 93. Last evaluated: 2023-08-17. Review status: criteria provided, single submitter. Criteria: ACMG Guidelines, 2015. Collection method: clinical testing. Allele origin: germline. Affected: yes.
Comment: The variant is observed at an extremely low frequency in the gnomAD v2.1.1 dataset (total allele frequency: 0.001%). Predicted Consequence/Location: Stop-gained (nonsense): predicted to result in a loss or disruption of normal protein function through nonsense-mediated decay (NMD) or protein truncation. Multiple pathogenic variants are reported downstream of the variant. The variant has been reported at least twice as pathogenic with clinical assertions and evidence for the classification (ClinVar ID: VCV000377067 /PMID: 31589614). Therefore, this variant is classified as Pathogenic according to the recommendation of ACMG/AMP guideline.

Blueprint Genetics
Classification: Uncertain significance. Last evaluated: 2023-04-14. Review status: criteria provided, single submitter. Criteria: ACMG Guidelines, 2015. Collection method: clinical testing. Allele origin: germline.

Genomic Research Center, Shahid Beheshti University of Medical Sciences
Classification: Pathogenic. Last evaluated: 2019-01-01. Review status: criteria provided, single submitter. Criteria: ACMG Guidelines, 2015. Collection method: research. Allele origin: unknown. Affected: no. Observed: 1 variant allele.

Center for Pediatric Genomic Medicine, Children's Mercy Hospital and Clinics
Classification: Likely pathogenic. Last evaluated: 2016-07-14. Review status: criteria provided, single submitter. Criteria: ACMG Guidelines, 2015. Collection method: clinical testing. Allele origin: germline.

PreventionGenetics, part of Exact Sciences
Classification: Likely pathogenic for CC2D2A-related condition. Last evaluated: 2024-04-12. Review status: no assertion criteria provided. Collection method: clinical testing. Allele origin: germline. Not counted in ClinVar's aggregate classification.
Comment: The CC2D2A c.100C>T variant is predicted to result in premature protein termination (p.Arg34*). To our knowledge, this variant has not been reported in individuals with CC2D2A-associated disorders in the literature or in a large population database, indicating this variant is rare. Nonsense variants in CC2D2A are expected to be pathogenic. This variant is interpreted as likely pathogenic.

Literature cited by the submitters: PubMed 38987663 (cited by 3 submitters); PubMed 31589614 (cited by Mayo Clinic Laboratories, Mayo Clinic and 3billion); PubMed 19777577 (cited by MUHC Nephrogenetics Laboratory, Research Institute of the McGill University Health Centre and Labcorp Genetics (formerly Invitae), Labcorp).

NM_001378615.1(CC2D2A):c.100C>T (p.Arg34Ter)

Genes: CC2D2A (coiled-coil and C2 domain containing 2A; plus strand), FBXL5 (F-box and leucine rich repeat protein 5; minus strand). Cytogenetic location: 4p15.32.
Variant type: single nucleotide variant.
Coding change: c.100C>T on transcript NM_001378615.1 (MANE Select); coding-DNA position 100, C replaced by T.
Protein change: p.Arg34Ter; replaces arginine 34 with a stop codon.
Molecular consequence: nonsense.
Genome position (GRCh38, 1-based): chr4:15,478,783, C>T. VCF-style: chr4-15478783-C-T. GRCh37 (hg19) VCF-style: chr4-15480407-C-T.
Other names: p.Arg34*; c.100C>T, p.Arg34Ter (NM_001164720.3, NM_020785.2, NM_001080522.2); short protein forms R34*.
Identifiers: ClinVar variation 377067 (VCV000377067.14), dbSNP rs896947430, ClinGen allele CA16603252.